The following is an entry in ClinVar:

ClinVar aggregate classification (germline): Pathogenic. Review status: reviewed by expert panel (3 of 4 stars). 9 submissions from 9 submitters: Pathogenic (1). 8 of the submissions do not count toward it. Last evaluated 2023-08-25.

Conditions:
CDH1-related diffuse gastric and lobular breast cancer syndrome. Also called: CDH1-related diffuse gastric and lobular breast cancer. Identifiers: MedGen CN311521, MONDO:0100488.
Hereditary diffuse gastric adenocarcinoma (HDGC). Also called: DIFFUSE GASTRIC AND LOBULAR BREAST CANCER SYNDROME. Identifiers: Orphanet 26106, MedGen C1708349, MONDO:0007648, OMIM 137215.
Hereditary cancer-predisposing syndrome. Also called: Hereditary Cancer Syndrome; Neoplastic Syndromes, Hereditary; Tumor predisposition; Hereditary neoplastic syndrome. Identifiers: Orphanet 140162, MedGen C0027672, MeSH D009386, MONDO:0015356.
Familial cancer of breast. Also called: Hereditary breast cancer; hereditary breast carcinoma; BREAST CANCER, FAMILIAL. Identifiers: Orphanet 227535, MedGen C0346153, MONDO:0016419, OMIM 114480. Disease mechanism: loss of function.

Submissions (9):

Clingen Gastric Cancer Variant Curation Expert Panel
Classification: Pathogenic for CDH1-related diffuse gastric and lobular breast cancer syndrome. Last evaluated: 2023-08-25. Review status: reviewed by expert panel. Criteria: ClinGen CDH1 ACMG Specifications V3.1. Collection method: curation. Allele origin: germline. Inheritance: Autosomal dominant inheritance.
Comment: The c.1488_1494delCGAGGAC p.(Glu497Leufs) variant is predicted to result in a premature stop codon that leads to a truncated or absent protein (PVS1, PM5_Supporting). The variant is present in <1/50,000 alleles in the gnomAD cohort (PM2_Supporting). This variant has been reported in at least one family meeting HDGC clinical criteria (PS4_Supporting; PMID: 10477433). In summary, this variant meets criteria to be classified as pathogenic based on the ACMG/AMP criteria applied as specified by the CDH1 Variant Curation Expert Panel (Variant Interpretation Guidelines Version 3.1): PVS1, PM2_Supporting, PS4_Supporting, PM5_Supporting.

Department of Pathology and Laboratory Medicine, Sinai Health System
Classification: Pathogenic for CDH1-related diffuse gastric and lobular breast cancer syndrome. Last evaluated: 2024-10-22. Review status: criteria provided, single submitter. Criteria: ACMG Guidelines, 2015. Collection method: clinical testing. Allele origin: germline. Not counted in ClinVar's aggregate classification.

Labcorp Genetics (formerly Invitae), Labcorp
Classification: Pathogenic for Hereditary diffuse gastric adenocarcinoma. Last evaluated: 2024-05-08. Review status: criteria provided, single submitter. Criteria: Invitae Variant Classification Sherloc (09022015). Collection method: clinical testing. Allele origin: germline. Not counted in ClinVar's aggregate classification.
Comment: This sequence change creates a premature translational stop signal (p.Glu497Leufs*23) in the CDH1 gene. It is expected to result in an absent or disrupted protein product. Loss-of-function variants in CDH1 are known to be pathogenic (PMID: 15235021, 20373070). This variant is present in population databases (no rsID available, gnomAD 0.002%). This premature translational stop signal has been observed in individual(s) with diffuse gastric cancer (PMID: 10477433). This variant is also known as 1487del7. ClinVar contains an entry for this variant (Variation ID: 229907). For these reasons, this variant has been classified as Pathogenic.

Myriad Genetics, Inc.
Classification: Pathogenic for Hereditary diffuse gastric adenocarcinoma. Last evaluated: 2023-06-14. Review status: criteria provided, single submitter. Criteria: Myriad Autosomal Dominant, Autosomal Recessive and X-Linked Classification Criteria (2023). Collection method: clinical testing. Allele origin: unknown. Not counted in ClinVar's aggregate classification.
Comment: This variant is considered pathogenic. This variant creates a frameshift predicted to result in premature protein truncation.

Baylor Genetics
Classification: Pathogenic for Familial cancer of breast. Last evaluated: 2023-04-11. Review status: criteria provided, single submitter. Criteria: ACMG Guidelines, 2015. Collection method: clinical testing. Allele origin: unknown. Not counted in ClinVar's aggregate classification.

Ambry Genetics
Classification: Pathogenic for Hereditary cancer-predisposing syndrome. Last evaluated: 2022-12-09. Review status: criteria provided, single submitter. Criteria: Ambry Variant Classification Scheme 2023. Collection method: clinical testing. Allele origin: germline. Not counted in ClinVar's aggregate classification.
Comment: The c.1488_1494delCGAGGAC pathogenic mutation, located in coding exon 10 of the CDH1 gene, results from a deletion of 7 nucleotides at nucleotide positions 1488 to 1494, causing a translational frameshift with a predicted alternate stop codon (p.E497Lfs*23). In addition to the clinical data presented in the literature, this alteration is expected to result in loss of function by premature protein truncation or nonsense-mediated mRNA decay. As such, this alteration is interpreted as a disease-causing mutation.

European Reference Network on Genetic Tumour Risk Syndromes (ERN-GENTURIS), i3s - Instituto de Investigação e Inovação em Saúde, University of Porto
Classification: Pathogenic for Hereditary diffuse gastric adenocarcinoma. Last evaluated: 2022-08-01. Review status: criteria provided, single submitter. Criteria: Lee et al. (Hum Mutat. 2018). Collection method: clinical testing. Allele origin: germline. Inheritance: Autosomal dominant inheritance. Affected: no. Study: ERN GENTURIS. Not counted in ClinVar's aggregate classification.
Comment: PVS1; PS4_Supporting; PM2 (PMID: 30311375)

GeneDx
Classification: Pathogenic. Last evaluated: 2019-08-26. Review status: criteria provided, single submitter. Criteria: GeneDx Variant Classification Process June 2021. Collection method: clinical testing. Allele origin: germline. Affected: yes. Not counted in ClinVar's aggregate classification.
Comment: Frameshift variant predicted to result in protein truncation or nonsense mediated decay in a gene for which loss-of-function is a known mechanism of disease; Not observed at a significant frequency in large population cohorts (Lek et al., 2016); This variant is associated with the following publications: (PMID: 30935944, 26182300, 19725995, 19168852, 22225527, 15457549, 27878467, 10477433)

Quest Diagnostics Nichols Institute San Juan Capistrano
Classification: Pathogenic. Last evaluated: 2019-03-26. Review status: criteria provided, single submitter. Criteria: Quest Diagnostics criteria. Collection method: clinical testing. Allele origin: unknown. Not counted in ClinVar's aggregate classification.
Comment: This variant alters the translational reading frame of the CDH1 mRNA and causes the premature termination of CDH1 protein synthesis. This variant has been reported in individuals with diffuse gastric and breast cancer in the published literature (PMID: 10477433 (1999), 27878467 (2017)).

Literature cited by the submitters: PubMed 10477433 (cited by 5 submitters); PubMed 36436516 (cited by Department of Pathology and Laboratory Medicine, Sinai Health System and European Reference Network on Genetic Tumour Risk Syndromes (ERN-GENTURIS), i3s - Instituto de Investigação e Inovação em Saúde, University of Porto); PubMed 30935944 (cited by Department of Pathology and Laboratory Medicine, Sinai Health System and Ambry Genetics); PubMed 15235021 (cited by Labcorp Genetics (formerly Invitae), Labcorp); PubMed 20373070 (cited by Labcorp Genetics (formerly Invitae), Labcorp); PubMed 26025002 (cited by Ambry Genetics); PubMed 27878467 (cited by Quest Diagnostics Nichols Institute San Juan Capistrano).

NM_004360.5(CDH1):c.1488_1494del (p.Glu497fs)

Gene: CDH1 (cadherin 1; plus strand). Cytogenetic location: 16q22.1.
Variant type: Deletion.
Coding change: c.1488_1494del on transcript NM_004360.5 (MANE Select); coding-DNA positions 1488 to 1494, 7 bases deleted (CGAGGAC; older notation c.1488_1494delCGAGGAC).
Protein change: p.Glu497fs; shifts the reading frame from glutamic acid 497.
Molecular consequence: frameshift variant. On other transcripts: 5 prime UTR variant (2).
Genome position (GRCh38, 1-based): chr16:68,815,682-68,815,688, CGAGGAC deleted; deleting any 7 consecutive bases within chr16:68,815,681-68,815,688 gives the same sequence; the c. name uses the placement nearest the transcript's 3' end. VCF-style (leftmost placement, unchanged base first): chr16-68815680-TCCGAGGA-T. GRCh37 (hg19) VCF-style: chr16-68849583-TCCGAGGA-T.
Other names: c.1488_1494del (LRG_301t1); c.1305_1311del, p.Glu436fs (NM_001317184.2); c.-61_-55del (NM_001317185.2); c.-332_-326del (NM_001317186.2); c.1488_1494delCGAGGAC (NM_004360.4, NM_004360.5); short protein forms E497fs, E436fs.
Identifiers: ClinVar variation 229907 (VCV000229907.28), dbSNP rs876658261, ClinGen allele CA10580117.
Genomic context (GRCh38, chr16:68,815,680, plus strand): 5'-GATGTGCTGGATGTGAATGAAGCCCCCATCTTTGTGCCTCCTGAAAAGAGAGTGGAAGTG[TCCGAGGA>T]CTTTGGCGTGGGCCAGGAAATCACATCCTACACTGCCCAGGAGCCAGACACATTTATGGA-3'